The following is an entry in ClinVar:

ClinVar aggregate classification (germline): Pathogenic (1 of 4 stars; one submission).

Conditions:
Marfan syndrome (MFS). Also called: MARFAN SYNDROME, TYPE I; Marfan syndrome type 1; Marfan's syndrome; Marfan syndrome, classic; FBN1-Related Marfan Syndrome. Identifiers: Orphanet 284963, Orphanet 558, MedGen C0024796, MONDO:0007947, OMIM 154700.
Familial thoracic aortic aneurysm and aortic dissection (TAAD). Also called: Thoracic aortic aneurysms and dissections. Identifiers: Orphanet 91387, MedGen C4707243, MONDO:0019625.

Submission:

Labcorp Genetics (formerly Invitae), Labcorp
Classification: Pathogenic for Marfan syndrome; Familial thoracic aortic aneurysm and aortic dissection. Last evaluated: 2023-04-12. Review status: criteria provided, single submitter. Criteria: Invitae Variant Classification Sherloc (09022015). Collection method: clinical testing. Allele origin: germline.
Comment: This variant, c.3128_3148del, results in the deletion of 7 amino acid(s) of the FBN1 protein (p.Lys1043_Gly1049del), but otherwise preserves the integrity of the reading frame. For these reasons, this variant has been classified as Pathogenic. This variant disrupts a region of the FBN1 protein in which other variant(s) (p.Ile1048Thr) have been determined to be pathogenic (PMID: 8884270, 21135753, 21784848, 27625872). This suggests that this is a clinically significant region of the protein, and that variants that disrupt it are likely to be disease-causing. This variant has not been reported in the literature in individuals affected with FBN1-related conditions. This variant is not present in population databases (gnomAD no frequency).

Literature cited by the submitters: PubMed 8884270; PubMed 21135753; PubMed 21784848; PubMed 27625872.

NM_000138.5(FBN1):c.3128_3148del (p.Lys1043_Gly1049del)

Gene: FBN1 (fibrillin 1; minus strand). Cytogenetic location: 15q21.1.
Variant type: Deletion.
Coding change: c.3128_3148del on transcript NM_000138.5 (MANE Select); coding-DNA positions 3128 to 3148, 21 bases deleted (AGTGCAGAAACACCATTGGCA).
Protein change: p.Lys1043_Gly1049del.
Molecular consequence: inframe deletion.
Genome position (GRCh38, 1-based): chr15:48,488,428-48,488,448, TGCCAATGGTGTTTCTGCACT deleted on the plus strand (AGTGCAGAAACACCATTGGCA on the coding strand, the reverse complement: FBN1 is on the minus strand); deleting any 21 consecutive bases within chr15:48,488,428-48,488,452 gives the same sequence; the c. name uses the placement nearest the transcript's 3' end. VCF-style (leftmost placement, unchanged base first): chr15-48488427-CTGCCAATGGTGTTTCTGCACT-C. GRCh37 (hg19) VCF-style: chr15-48780624-CTGCCAATGGTGTTTCTGCACT-C.
Other names: c.3128_3148del, p.Lys1043_Gly1049del (NM_001406716.1).
Identifiers: ClinVar variation 2946613 (VCV002946613.3), dbSNP rs2505553574, ClinGen allele CA2740096646.
Genomic context (GRCh38, chr15:48,488,427, plus strand): 5'-CCTGTGCAGTTCCTTTCTTCAGAATCAAGAGCAAAGCCGCTGTCACACCTGCACTTAAAG[CTGCCAATGGTGTTTCTGCACT>C]TGCCGTGGGTGCAGAGGCTGGGTATCATCTTGCACTCATTGATATCTTCAAGAATAAGAA-3'